The following is an entry in ClinVar:

NM_016616.5(NME8):c.529-2A>G

Gene: NME8 (NME/NM23 family member 8; plus strand). Cytogenetic location: 7p14.1.
Variant type: single nucleotide variant.
Coding change: c.529-2A>G on transcript NM_016616.5 (MANE Select); the canonical splice acceptor site of the intron before coding-DNA position 529, A replaced by G.
Molecular consequence: splice acceptor variant.
Genome position (GRCh38, 1-based): chr7:37,865,523, A>G. VCF-style: chr7-37865523-A-G. GRCh37 (hg19) VCF-style: chr7-37905125-A-G.
Identifiers: ClinVar variation 2761056 (VCV002761056.3), dbSNP rs928112045, ClinGen allele CA157154870.

ClinVar aggregate classification (germline): Uncertain significance (1 of 4 stars; one submission).

Conditions:
Primary ciliary dyskinesia 6. Also called: Primary Ciliary Dyskinesia 6: TXNDC3-Related Primary Ciliary Dyskinesia. Identifiers: Orphanet 244, MedGen C1970506, MONDO:0012571, OMIM 610852.

Allele frequency attached by ClinVar (database versions not stated): gnomAD exomes below 0.00001.
gnomAD v4.1: 2 of 1,605,278 alleles (0.00012%); highest among the groups gnomAD compares: East Asian, 0.0045%; no homozygotes.

Submission:

Labcorp Genetics (formerly Invitae), Labcorp
Classification: Uncertain significance for Primary ciliary dyskinesia 6. Last evaluated: 2023-09-17. Review status: criteria provided, single submitter. Criteria: Invitae Variant Classification Sherloc (09022015). Collection method: clinical testing. Allele origin: germline.
Comment: Algorithms developed to predict the effect of sequence changes on RNA splicing suggest that this variant may disrupt the consensus splice site. In summary, the available evidence is currently insufficient to determine the role of this variant in disease. Therefore, it has been classified as a Variant of Uncertain Significance. This variant has not been reported in the literature in individuals affected with NME8-related conditions. This variant is not present in population databases (gnomAD no frequency). This sequence change affects an acceptor splice site in intron 9 of the NME8 gene. It is expected to disrupt RNA splicing. Variants that disrupt the donor or acceptor splice site typically lead to a loss of protein function (PMID: 16199547), however the current clinical and genetic evidence is not sufficient to establish whether loss-of-function variants in NME8 cause disease.

Literature cited by the submitters: PubMed 16199547.